The following is an entry in ClinVar:

ClinVar aggregate classification (germline): Conflicting classifications of pathogenicity. Review status: criteria provided, conflicting classifications (1 of 4 stars). 6 submissions from 6 submitters: Uncertain significance (5); Likely benign (1). Last evaluated 2025-11-17.

Conditions:
Familial ovarian cancer. Identifiers: MedGen C5679802, MONDO:0016248.
Hereditary cancer-predisposing syndrome. Also called: Hereditary neoplastic syndrome; Neoplastic Syndromes, Hereditary; Tumor predisposition; Hereditary Cancer Syndrome. Identifiers: Orphanet 140162, MedGen C0027672, MeSH D009386, MONDO:0015356.
Fanconi anemia complementation group J. Also called: BRIP1-Related Fanconi Anemia. Identifiers: Orphanet 84, MedGen C1836860, MONDO:0012187, OMIM 609054.
Familial cancer of breast. Also called: hereditary breast carcinoma; BREAST CANCER, FAMILIAL; Hereditary breast cancer. Identifiers: Orphanet 227535, MedGen C0346153, MONDO:0016419, OMIM 114480. Disease mechanism: loss of function.

Allele frequency attached by ClinVar (database versions not stated): gnomAD exomes below 0.00001 and 0.00001; ExAC 0.00001.
gnomAD v4.1: 7 of 1,613,874 alleles (0.00043%); highest among the groups gnomAD compares: South Asian, 0.0022%; no homozygotes.

Submissions (6):

Labcorp Genetics (formerly Invitae), Labcorp
Classification: Uncertain significance for Familial cancer of breast; Fanconi anemia complementation group J. Last evaluated: 2025-11-17. Review status: criteria provided, single submitter. Criteria: Invitae Variant Classification Sherloc (09022015). Collection method: clinical testing. Allele origin: germline.
Comment: This sequence change replaces asparagine, which is neutral and polar, with serine, which is neutral and polar, at codon 293 of the BRIP1 protein (p.Asn293Ser). This variant is present in population databases (rs746599076, gnomAD 0.006%). This variant has not been reported in the literature in individuals affected with BRIP1-related conditions. ClinVar contains an entry for this variant (Variation ID: 279708). Invitae Evidence Modeling of protein sequence and biophysical properties (such as structural, functional, and spatial information, amino acid conservation, physicochemical variation, residue mobility, and thermodynamic stability) indicates that this missense variant is not expected to disrupt BRIP1 protein function with a negative predictive value of 95%. In summary, the available evidence is currently insufficient to determine the role of this variant in disease. Therefore, it has been classified as a Variant of Uncertain Significance.

Molecular Pathology, Peter Maccallum Cancer Centre
Classification: Uncertain significance for Familial ovarian cancer. Last evaluated: 2025-06-11. Review status: criteria provided, single submitter. Criteria: ACMG Guidelines, 2015. Collection method: clinical testing. Allele origin: germline. Inheritance: Autosomal dominant inheritance.

Ambry Genetics
Classification: Likely benign for Hereditary cancer-predisposing syndrome. Last evaluated: 2023-11-18. Review status: criteria provided, single submitter. Criteria: Ambry Variant Classification Scheme 2023. Collection method: clinical testing. Allele origin: germline.

Color Diagnostics, LLC DBA Color Health
Classification: Uncertain significance for Hereditary cancer-predisposing syndrome. Last evaluated: 2023-09-19. Review status: criteria provided, single submitter. Criteria: ACMG Guidelines, 2015. Collection method: clinical testing. Allele origin: germline.
Comment: This missense variant replaces asparagine with serine at codon 293 of the BRIP1 protein. Computational prediction suggests that this variant may not impact protein structure and function (internally defined REVEL score threshold <= 0.5, PMID: 27666373). To our knowledge, functional studies have not been reported for this variant. This variant has been detected in a breast cancer case-control meta-analysis in 0/60466 cases and 1/53461 unaffected individuals (PMID: 33471991; Leiden Open Variation Database DB-ID BRIP1_000627), and it also has been reported in an individual affected with uterine cancer (PMID: 26689913). This variant has been identified in 2/250894 chromosomes in the general population by the Genome Aggregation Database (gnomAD). The available evidence is insufficient to determine the role of this variant in disease conclusively. Therefore, this variant is classified as a Variant of Uncertain Significance.

GeneDx
Classification: Uncertain significance. Last evaluated: 2021-05-18. Review status: criteria provided, single submitter. Criteria: GeneDx Variant Classification Process June 2021. Collection method: clinical testing. Allele origin: germline. Affected: yes.
Comment: Not observed at a significant frequency in large population cohorts (Lek 2016); In silico analysis supports that this missense variant has a deleterious effect on protein structure/function; Observed in an individual with uterine cancer (Lu 2015); This variant is associated with the following publications: (PMID: 26689913)

Quest Diagnostics Nichols Institute San Juan Capistrano
Classification: Uncertain significance. Last evaluated: 2017-10-10. Review status: criteria provided, single submitter. Criteria: Quest Diagnostics criteria. Collection method: clinical testing. Allele origin: germline.

Literature cited by the submitters: PubMed 26689913 (cited by Color Diagnostics, LLC DBA Color Health); PubMed 33471991 (cited by Color Diagnostics, LLC DBA Color Health).

NM_032043.3(BRIP1):c.878A>G (p.Asn293Ser)

Gene: BRIP1 (BRCA1 interacting DNA helicase 1; minus strand). Cytogenetic location: 17q23.2.
Variant type: single nucleotide variant.
Coding change: c.878A>G on transcript NM_032043.3 (MANE Select); coding-DNA position 878, A replaced by G.
Protein change: p.Asn293Ser; replaces asparagine 293 with serine.
Molecular consequence: missense variant.
Genome position (GRCh38, 1-based): chr17:61,808,507, T>C on the plus strand (A>G on the coding strand, the complement: BRIP1 is on the minus strand). VCF-style: chr17-61808507-T-C. GRCh37 (hg19) VCF-style: chr17-59885868-T-C.
Other names: short protein forms N293S.
Identifiers: ClinVar variation 279708 (VCV000279708.25), dbSNP rs746599076, ClinGen allele CA8690839.